The following is an entry in ClinVar:

ClinVar aggregate classification (germline): Uncertain significance (1 of 4 stars; one submission).

Allele frequency attached by ClinVar (database versions not stated): ExAC 0.00002; gnomAD exomes 0.00002.
gnomAD v4.1: 23 of 1,611,966 alleles (0.0014%); highest among the groups gnomAD compares: South Asian, 0.0033%; no homozygotes.

Submission:

Labcorp Genetics (formerly Invitae), Labcorp
Classification: Uncertain significance. Last evaluated: 2023-06-14. Review status: criteria provided, single submitter. Criteria: Invitae Variant Classification Sherloc (09022015). Collection method: clinical testing. Allele origin: germline.
Comment: An algorithm developed to predict the effect of missense changes on protein structure and function (PolyPhen-2) suggests that this variant is likely to be disruptive. In summary, the available evidence is currently insufficient to determine the role of this variant in disease. Therefore, it has been classified as a Variant of Uncertain Significance. ClinVar contains an entry for this variant (Variation ID: 2421520). This variant has not been reported in the literature in individuals affected with MICAL1-related conditions. This variant is present in population databases (rs764182210, gnomAD 0.01%). This sequence change replaces arginine, which is basic and polar, with histidine, which is basic and polar, at codon 396 of the MICAL1 protein (p.Arg396His).

NM_022765.4(MICAL1):c.1130G>A (p.Arg377His)

Gene: MICAL1 (microtubule associated monooxygenase, calponin and LIM domain containing 1; minus strand). Cytogenetic location: 6q21.
Variant type: single nucleotide variant.
Coding change: c.1130G>A on transcript NM_022765.4 (MANE Select); coding-DNA position 1130, G replaced by A.
Protein change: p.Arg377His; replaces arginine 377 with histidine.
Molecular consequence: missense variant. On other transcripts: intron variant (1).
Genome position (GRCh38, 1-based): chr6:109,450,361, C>T on the plus strand (G>A on the coding strand, the complement: MICAL1 is on the minus strand). VCF-style: chr6-109450361-C-T. GRCh37 (hg19) VCF-style: chr6-109771564-C-T.
Other names: c.1187G>A, p.Arg396His (NM_001286613.2); c.934-276G>A (NM_001159291.2); short protein forms R377H, R396H.
Identifiers: ClinVar variation 2421520 (VCV002421520.5), dbSNP rs764182210, ClinGen allele CA3953497.